The following is an entry in ClinVar:

NM_005022.4(PFN1):c.369G>C (p.Leu123Phe)

Gene: PFN1 (profilin 1; minus strand). Cytogenetic location: 17p13.2.
Variant type: single nucleotide variant.
Coding change: c.369G>C on transcript NM_005022.4 (MANE Select); coding-DNA position 369, G replaced by C.
Protein change: p.Leu123Phe; replaces leucine 123 with phenylalanine.
Molecular consequence: missense variant. On other transcripts: 3 prime UTR variant (1).
Genome position (GRCh38, 1-based): chr17:4,945,954, C>G on the plus strand (G>C on the coding strand, the complement: PFN1 is on the minus strand). VCF-style: chr17-4945954-C-G. GRCh37 (hg19) VCF-style: chr17-4849249-C-G.
Other names: c.*453G>C (NM_001375991.1); c.369G>C (NM_005022.2); short protein forms L123F.
Identifiers: ClinVar variation 1024397 (VCV001024397.10), dbSNP rs1002369755, ClinGen allele CA287230784.

ClinVar aggregate classification (germline): Uncertain significance. Review status: criteria provided, multiple submitters, no conflicts (2 of 4 stars). 2 submissions from 2 submitters: Uncertain significance (2). Last evaluated 2026-02-23.

Conditions:
Inborn genetic diseases. Identifiers: MedGen C0950123, MeSH D030342.

Allele frequency attached by ClinVar (database versions not stated): gnomAD exomes below 0.00001; gnomAD 0.00001 and 0.00004; TOPMed 0.00001.
gnomAD v4.1: 23 of 1,613,616 alleles (0.0014%); highest among the groups gnomAD compares: East Asian, 0.011%; no homozygotes.

Submissions (2):

Ambry Genetics
Classification: Uncertain significance for Inborn genetic diseases. Last evaluated: 2026-02-23. Review status: criteria provided, single submitter. Criteria: Ambry Variant Classification Scheme 2023. Collection method: clinical testing. Allele origin: germline.
Comment: The c.369G>C (p.L123F) alteration is located in exon 3 (coding exon 3) of the PFN1 gene. This alteration results from a G to C substitution at nucleotide position 369, causing the leucine (L) at amino acid position 123 to be replaced by a phenylalanine (F). Based on data from gnomAD, the C allele has an overall frequency of 0.003% (1/31368) total alleles studied. The highest observed frequency was <0.001% (/) of alleles. Based on insufficient or conflicting evidence, the clinical significance of this alteration remains unclear.

Labcorp Genetics (formerly Invitae), Labcorp
Classification: Uncertain significance. Last evaluated: 2024-10-16. Review status: criteria provided, single submitter. Criteria: Invitae Variant Classification Sherloc (09022015). Collection method: clinical testing. Allele origin: germline.
Comment: This sequence change replaces leucine, which is neutral and non-polar, with phenylalanine, which is neutral and non-polar, at codon 123 of the PFN1 protein (p.Leu123Phe). This variant is present in population databases (no rsID available, gnomAD no frequency). This variant has not been reported in the literature in individuals affected with PFN1-related conditions. ClinVar contains an entry for this variant (Variation ID: 1024397). An algorithm developed to predict the effect of missense changes on protein structure and function (PolyPhen-2) suggests that this variant is likely to be tolerated. In summary, the available evidence is currently insufficient to determine the role of this variant in disease. Therefore, it has been classified as a Variant of Uncertain Significance.